The following is an entry in ClinVar:

NM_000081.4(LYST):c.*1723A>G

Gene: LYST (lysosomal trafficking regulator; minus strand). Cytogenetic location: 1q42.3.
Variant type: single nucleotide variant.
Coding change: c.*1723A>G on transcript NM_000081.4 (MANE Select); 1723 bases downstream of the stop codon, A replaced by G.
Molecular consequence: 3 prime UTR variant.
Genome position (GRCh38, 1-based): chr1:235,661,217, T>C on the plus strand (A>G on the coding strand, the complement: LYST is on the minus strand). VCF-style: chr1-235661217-T-C. GRCh37 (hg19) VCF-style: chr1-235824517-T-C.
Other names: c.*1723A>G (NM_001301365.1).
Identifiers: ClinVar variation 873712 (VCV000873712.4), dbSNP rs186176907, ClinGen allele CA39752429.

ClinVar aggregate classification (germline): Benign (1 of 4 stars; one submission).

Conditions:
Chédiak-Higashi syndrome (CHS). Also called: Chediak-Higashi Syndrome. Identifiers: Orphanet 167, MedGen C0007965, MONDO:0008963, OMIM 214500.

Allele frequency attached by ClinVar (database versions not stated): gnomAD 0.00251; 1000 Genomes Project 0.00260; TOPMed 0.00261; 1000 Genomes Project 30x 0.00297.
gnomAD v4.1: 379 of 152,738 alleles (0.25%); highest among the groups gnomAD compares: African/African-American, 0.89%; 2 homozygotes.

Submission:

Illumina Laboratory Services, Illumina
Classification: Benign for Chédiak-Higashi syndrome. Last evaluated: 2017-04-27. Review status: criteria provided, single submitter. Criteria: ICSL Variant Classification Criteria 13 December 2019. Collection method: clinical testing. Allele origin: germline.
Comment: This variant was observed as part of a predisposition screen in an ostensibly healthy population. A literature search was performed for the gene, cDNA change, and amino acid change (where applicable). No publications were found based on this search. Allele frequency data from public databases was too high to be consistent with this variant causing disease. Therefore, this variant is classified as benign.